The following is an entry in ClinVar:

ClinVar aggregate classification (germline): Likely pathogenic. Review status: criteria provided, multiple submitters, no conflicts (2 of 4 stars). 2 submissions from 2 submitters: Likely pathogenic (2). Last evaluated 2025-03-17.

Conditions:
Hyperkalemic periodic paralysis. Also called: Familial hyperkalemic periodic paralysis; Gamstorp disease. Identifiers: Orphanet 682, MedGen C0238357, MONDO:0008224, OMIM 170500, HP:0007215.

Allele frequency attached by ClinVar (database versions not stated): TOPMed 0.00001; gnomAD 0.00003.

Submissions (2):

Labcorp Genetics (formerly Invitae), Labcorp
Classification: Likely pathogenic for Hyperkalemic periodic paralysis. Last evaluated: 2025-03-17. Review status: criteria provided, single submitter. Criteria: Invitae Variant Classification Sherloc (09022015). Collection method: clinical testing. Allele origin: germline.
Comment: This sequence change replaces arginine, which is basic and polar, with serine, which is neutral and polar, at codon 1463 of the SCN4A protein (p.Arg1463Ser). This variant is present in population databases (rs774453167, gnomAD 0.004%). This missense change has been observed in individuals with myotonia (PMID: 29605429). ClinVar contains an entry for this variant (Variation ID: 654578). Invitae Evidence Modeling of protein sequence and biophysical properties (such as structural, functional, and spatial information, amino acid conservation, physicochemical variation, residue mobility, and thermodynamic stability) has been performed for this missense variant. However, the output from this modeling did not meet the statistical confidence thresholds required to predict the impact of this variant on SCN4A protein function. Experimental studies have shown that this missense change affects SCN4A function (PMID: 29605429). This variant disrupts the p.Arg1463 amino acid residue in SCN4A. Other variant(s) that disrupt this residue have been observed in individuals with SCN4A-related conditions (PMID: 29606556; internal data), which suggests that this may be a clinically significant amino acid residue. In summary, the currently available evidence indicates that the variant is pathogenic, but additional data are needed to prove that conclusively. Therefore, this variant has been classified as Likely Pathogenic.

GeneDx
Classification: Likely pathogenic. Last evaluated: 2019-01-02. Review status: criteria provided, single submitter. Criteria: GeneDx Variant Classification Process June 2021. Collection method: clinical testing. Allele origin: germline. Affected: yes.
Comment: Reported in a case control study of sudden infant death syndrome. Functional expression studies showed impaired fast inactivation of R1463S compared to wild type, resulting in a gain of function effect on sodium channel function (Mannikko et al., 2018).; Not observed at a significant frequency in large population cohorts (Lek et al., 2016); In silico analysis, which includes protein predictors and evolutionary conservation, supports a deleterious effect; This variant is associated with the following publications: (PMID: 31043699, 29605429, 29605428)

Literature cited by the submitters: PubMed 29605429 (cited by Labcorp Genetics (formerly Invitae), Labcorp); PubMed 29606556 (cited by Labcorp Genetics (formerly Invitae), Labcorp).

NM_000334.4(SCN4A):c.4387C>A (p.Arg1463Ser)

Genes: GH-LCR (growth hormone locus control region; plus strand), SCN4A (sodium voltage-gated channel alpha subunit 4; minus strand). Cytogenetic location: 17q23.3.
Variant type: single nucleotide variant.
Coding change: c.4387C>A on transcript NM_000334.4 (MANE Select); coding-DNA position 4387, C replaced by A.
Protein change: p.Arg1463Ser; replaces arginine 1463 with serine.
Molecular consequence: missense variant.
Genome position (GRCh38, 1-based): chr17:63,941,895, G>T on the plus strand (C>A on the coding strand, the complement: SCN4A is on the minus strand). VCF-style: chr17-63941895-G-T. GRCh37 (hg19) VCF-style: chr17-62019255-G-T.
Other names: short protein forms R1463S.
Identifiers: ClinVar variation 654578 (VCV000654578.12), dbSNP rs774453167, ClinGen allele CA8708976.